The following is an entry in ClinVar:

NM_000338.3(SLC12A1):c.2943T>C (p.Ile981=)

Gene: SLC12A1 (solute carrier family 12 member 1; plus strand). Cytogenetic location: 15q21.1.
Variant type: single nucleotide variant.
Coding change: c.2943T>C on transcript NM_000338.3 (MANE Select); coding-DNA position 2943, T replaced by C.
Protein change: p.Ile981=; no amino-acid change (isoleucine 981 retained).
Molecular consequence: synonymous variant.
Genome position (GRCh38, 1-based): chr15:48,291,847, T>C. VCF-style: chr15-48291847-T-C. GRCh37 (hg19) VCF-style: chr15-48584044-T-C.
Other names: c.2943T>C, p.Ile981= (NM_001184832.2).
Identifiers: ClinVar variation 316278 (VCV000316278.18), dbSNP rs139832082, ClinGen allele CA7547547.

ClinVar aggregate classification (germline): Conflicting classifications of pathogenicity. Review status: criteria provided, conflicting classifications (1 of 4 stars). 4 submissions from 4 submitters: Uncertain significance (1); Benign (1); Likely benign (1). 1 of the submissions does not count toward it. Last evaluated 2026-01-27.

Conditions:
Bartter disease type 1. Also called: HYPERPROSTAGLANDIN E SYNDROME 1; Bartter syndrome, type 1, antenatal; Bartter Syndrome type 1; HYPOKALEMIC ALKALOSIS WITH HYPERCALCIURIA 1, ANTENATAL. Identifiers: Orphanet 112, Orphanet 620217, MedGen C1866495, MONDO:0100344, OMIM 601678, MONDO:0011127.
SLC12A1-related disorder. Also called: SLC12A1-related condition.

Allele frequency attached by ClinVar (database versions not stated): 1000 Genomes Project 30x 0.00078; TOPMed 0.00080; 1000 Genomes Project 0.00100; gnomAD 0.00103 and 0.00104; gnomAD exomes 0.00109 and 0.00147; ESP Exome Variant Server 0.00131; ExAC 0.00182.
gnomAD v4.1: 2,199 of 1,566,290 alleles (0.14%); highest among the groups gnomAD compares: South Asian, 0.18%; 5 homozygotes.

Submissions (4):

Labcorp Genetics (formerly Invitae), Labcorp
Classification: Benign. Last evaluated: 2026-01-27. Review status: criteria provided, single submitter. Criteria: Invitae Variant Classification Sherloc (09022015). Collection method: clinical testing. Allele origin: germline.

Blueprint Genetics
Classification: Likely benign. Last evaluated: 2024-10-24. Review status: criteria provided, single submitter. Criteria: ACMG Guidelines, 2015. Collection method: clinical testing. Allele origin: germline.

Illumina Laboratory Services, Illumina
Classification: Uncertain significance for Bartter disease type 1. Last evaluated: 2018-01-13. Review status: criteria provided, single submitter. Criteria: ICSL Variant Classification Criteria 13 December 2019. Collection method: clinical testing. Allele origin: germline.

PreventionGenetics, part of Exact Sciences
Classification: Likely benign for SLC12A1-related condition. Last evaluated: 2022-07-19. Review status: no assertion criteria provided. Collection method: clinical testing. Allele origin: germline. Not counted in ClinVar's aggregate classification.
Comment: This variant is classified as likely benign based on ACMG/AMP sequence variant interpretation guidelines (Richards et al. 2015 PMID: 25741868, with internal and published modifications).